The following is an entry in ClinVar:

ClinVar aggregate classification (germline): Likely pathogenic (1 of 4 stars; one submission).

Submission:

Mayo Clinic Laboratories, Mayo Clinic
Classification: Likely pathogenic. Last evaluated: 2024-05-16. Review status: criteria provided, single submitter. Criteria: ACMG Guidelines, 2015. Collection method: clinical testing. Allele origin: germline. Observed: 1 variant allele.
Comment: BP4, PM2_moderate, PVS1_strong

NM_000173.7(GP1BA):c.1368_1371del (p.Thr457fs)

Gene: GP1BA (glycoprotein Ib platelet subunit alpha; plus strand). Cytogenetic location: 17p13.2.
Variant type: Deletion.
Coding change: c.1368_1371del on transcript NM_000173.7 (MANE Select); coding-DNA positions 1368 to 1371, 4 bases deleted (GACC; older notation c.1368_1371delGACC).
Protein change: p.Thr457fs; shifts the reading frame from threonine 457.
Molecular consequence: frameshift variant.
Genome position (GRCh38, 1-based): chr17:4,933,972-4,933,975, GACC deleted; deleting any 4 consecutive bases within chr17:4,933,970-4,933,975 gives the same sequence; the c. name uses the placement nearest the transcript's 3' end. VCF-style (leftmost placement, unchanged base first): chr17-4933969-CCCGA-C. GRCh37 (hg19) VCF-style: chr17-4837264-CCCGA-C.
Other names: p.Thr457Serfs*14; short protein forms T457fs.
Identifiers: ClinVar variation 3381153 (VCV003381153.1).